The following is an entry in ClinVar:

ClinVar aggregate classification (germline): Likely benign (1 of 4 stars; one submission).

Submission:

CeGaT Center for Human Genetics Tuebingen
Classification: Likely benign. Last evaluated: 2022-11-01. Review status: criteria provided, single submitter. Criteria: CeGaT Center For Human Genetics Tuebingen Variant Classification Criteria Version 2. Collection method: clinical testing. Allele origin: germline. Affected: yes. Observed: 1 variant allele.
Comment: MAN1B1: BS1

NM_016219.5(MAN1B1):c.1254+2089_1254+2090del

Gene: MAN1B1 (mannosidase alpha class 1B member 1; plus strand). Cytogenetic location: 9q34.3.
Variant type: Microsatellite.
Coding change: c.1254+2089_1254+2090del on transcript NM_016219.5 (MANE Select); bases 2089 to 2090 of the intron after coding-DNA position 1254, 2 bases deleted (GT; older notation c.1254+2089_1254+2090delGT).
Molecular consequence: intron variant.
Genome position (GRCh38, 1-based): chr9:137,103,761-137,103,762, GT deleted; deleting any 2 consecutive bases within chr9:137,103,759-137,103,762 gives the same sequence; the c. name uses the placement nearest the transcript's 3' end. VCF-style (leftmost placement, unchanged base first): chr9-137103758-GGT-G. GRCh37 (hg19) VCF-style: chr9-139998210-GGT-G.
Identifiers: ClinVar variation 2659803 (VCV002659803.24), dbSNP rs527754315, ClinGen allele CA201695092.
Genomic context (GRCh38, chr9:137,103,758, plus strand): 5'-TGTTGCAGGCGTGCAGGTCCGTGGTGTTACACACATGCTGTTGCAGGCGTGCAGGTCGGT[GGT>G]GTTACATTCACACTGTTGCAGGTGTGCAGGTTGGTGTTACACACATTCACACTGTTGCAG-3'